The following is an entry in ClinVar:

ClinVar aggregate classification (germline): Pathogenic (1 of 4 stars; one submission).

Submission:

Quest Diagnostics Nichols Institute San Juan Capistrano
Classification: Pathogenic. Last evaluated: 2022-04-14. Review status: criteria provided, single submitter. Criteria: ACMG/ClinGen CNV Guidelines, 2019. Collection method: clinical testing. Allele origin: unknown.
Comment: This terminal deletion involves multiple genes associated with OMIM disorders and lies within the region associated with the 18q deletion syndrome (OMIM 601808), which has a variable clinical presentation that may involve growth delay , short stature, hypotonia, hearing impairment, intellectual disability, delayed myelination, abnormal genitalia, and foot deformities. References: Cody et al. Am J Med Genet C Semin Med Genet. 2015 Sep;169(3):265-80. PMID: 26235940. Feenstra et al. Am. J. Med. Genet. 2007. 143: 1858-1867. PMID: 17632778.

GRCh37/hg19 18q21.2-23(chr18:53624405-78014123)x1

Genes: MBP (myelin basic protein; minus strand), PHLPP1 (PH domain and leucine rich repeat protein phosphatase 1; plus strand), PIGN (phosphatidylinositol glycan anchor biosynthesis class N; minus strand), PMAIP1 (phorbol-12-myristate-13-acetate-induced protein 1; plus strand), MC4R (melanocortin 4 receptor; minus strand) and 77 more. Cytogenetic location: 18q21.2-23.
Variant type: copy number loss.
Change: copy number 1 (one copy instead of two) of chr18:53,624,405-78,014,123 (24.39 Mb, GRCh37 coordinates, 1-based), cytogenetic band 18q21.2-23.
Identifiers: ClinVar variation 1808639 (VCV001808639.1).